The following is an entry in ClinVar:

NM_004285.4(H6PD):c.415A>G (p.Ile139Val)

Gene: H6PD (hexose-6-phosphate dehydrogenase/glucose 1-dehydrogenase; plus strand). Cytogenetic location: 1p36.22.
Variant type: single nucleotide variant.
Coding change: c.415A>G on transcript NM_004285.4 (MANE Select); coding-DNA position 415, A replaced by G.
Protein change: p.Ile139Val; replaces isoleucine 139 with valine.
Molecular consequence: missense variant.
Genome position (GRCh38, 1-based): chr1:9,245,349, A>G. VCF-style: chr1-9245349-A-G. GRCh37 (hg19) VCF-style: chr1-9305408-A-G.
Other names: c.448A>G, p.Ile150Val (NM_001282587.2); c.415A>G (NM_004285.3); short protein forms I139V, I150V.
Identifiers: ClinVar variation 1913033 (VCV001913033.6), dbSNP rs756303135, ClinGen allele CA574937.

ClinVar aggregate classification (germline): Uncertain significance. Review status: criteria provided, multiple submitters, no conflicts (2 of 4 stars). 2 submissions from 2 submitters: Uncertain significance (2). Last evaluated 2024-07-31.

Conditions:
Inborn genetic diseases. Identifiers: MedGen C0950123, MeSH D030342.

Allele frequency attached by ClinVar (database versions not stated): ExAC 0.00001; gnomAD 0.00001; TOPMed 0.00001.
gnomAD v4.1: 10 of 1,613,974 alleles (0.00062%); highest among the groups gnomAD compares: Non-Finnish European, 0.00076%; no homozygotes.

Submissions (2):

Ambry Genetics
Classification: Uncertain significance for Inborn genetic diseases. Last evaluated: 2024-07-31. Review status: criteria provided, single submitter. Criteria: Ambry Variant Classification Scheme 2023. Collection method: clinical testing. Allele origin: germline.

Labcorp Genetics (formerly Invitae), Labcorp
Classification: Uncertain significance. Last evaluated: 2022-10-17. Review status: criteria provided, single submitter. Criteria: Invitae Variant Classification Sherloc (09022015). Collection method: clinical testing. Allele origin: germline.
Comment: This sequence change replaces isoleucine, which is neutral and non-polar, with valine, which is neutral and non-polar, at codon 139 of the H6PD protein (p.Ile139Val). This variant is present in population databases (rs756303135, gnomAD 0.003%). This variant has not been reported in the literature in individuals affected with H6PD-related conditions. Advanced modeling of protein sequence and biophysical properties (such as structural, functional, and spatial information, amino acid conservation, physicochemical variation, residue mobility, and thermodynamic stability) performed at Invitae indicates that this missense variant is not expected to disrupt H6PD protein function. In summary, the available evidence is currently insufficient to determine the role of this variant in disease. Therefore, it has been classified as a Variant of Uncertain Significance.